The following is an entry in ClinVar:

ClinVar aggregate classification (germline): Uncertain significance (1 of 4 stars; one submission).

Conditions:
Inborn genetic diseases. Identifiers: MedGen C0950123, MeSH D030342.

gnomAD v4.1: 3 of 1,546,534 alleles (0.00019%); highest among the groups gnomAD compares: East Asian, 0.0071%; no homozygotes.

Submission:

Ambry Genetics
Classification: Uncertain significance for Inborn genetic diseases. Last evaluated: 2025-02-28. Review status: criteria provided, single submitter. Criteria: Ambry Variant Classification Scheme 2023. Collection method: clinical testing. Allele origin: germline.
Comment: The p.Y1140C variant (also known as c.3419A>G), located in coding exon 16 of the MECOM gene, results from an A to G substitution at nucleotide position 3419. The tyrosine at codon 1140 is replaced by cysteine, an amino acid with highly dissimilar properties. This amino acid position is conserved. In addition, this alteration is predicted to be tolerated by in silico analysis. Based on the available evidence, the clinical significance of this variant remains unclear.

NM_004991.4(MECOM):c.3419A>G (p.Tyr1140Cys)

Gene: MECOM (MDS1 and EVI1 complex locus; minus strand). Cytogenetic location: 3q26.2.
Variant type: single nucleotide variant.
Coding change: c.3419A>G on transcript NM_004991.4 (MANE Select); coding-DNA position 3419, A replaced by G.
Protein change: p.Tyr1140Cys; replaces tyrosine 1140 with cysteine.
Molecular consequence: missense variant.
Genome position (GRCh38, 1-based): chr3:169,089,166, T>C on the plus strand (A>G on the coding strand, the complement: MECOM is on the minus strand). VCF-style: chr3-169089166-T-C. GRCh37 (hg19) VCF-style: chr3-168806954-T-C.
Other names: c.3050A>G, p.Tyr1017Cys (NM_001105077.4); c.2855A>G, p.Tyr952Cys (NM_001105078.4, NM_001205194.2, NM_001366469.2 and 1 more transcripts); c.2831A>G, p.Tyr944Cys (NM_001163999.2, NM_001366470.2); c.2828A>G, p.Tyr943Cys (NM_001164000.2, NM_001366471.2, NM_001366472.2); c.3392A>G, p.Tyr1131Cys (NM_001366466.2); c.2858A>G, p.Tyr953Cys (NM_001366467.2, NM_001366468.2); c.2420A>G, p.Tyr807Cys (NM_001366473.2); c.1856A>G, p.Tyr619Cys (NM_001366474.2); short protein forms Y619C, Y943C, Y1140C, Y944C, Y952C, Y1017C, Y807C, Y953C.
Identifiers: ClinVar variation 3871868 (VCV003871868.1).